The following is an entry in ClinVar:

NM_017662.5(TRPM6):c.5971A>C (p.Asn1991His)

Gene: TRPM6 (transient receptor potential cation channel subfamily M member 6; minus strand). Cytogenetic location: 9q21.13.
Variant type: single nucleotide variant.
Coding change: c.5971A>C on transcript NM_017662.5 (MANE Select); coding-DNA position 5971, A replaced by C.
Protein change: p.Asn1991His; replaces asparagine 1991 with histidine.
Molecular consequence: missense variant.
Genome position (GRCh38, 1-based): chr9:74,724,711, T>G on the plus strand (A>C on the coding strand, the complement: TRPM6 is on the minus strand). VCF-style: chr9-74724711-T-G. GRCh37 (hg19) VCF-style: chr9-77339627-T-G.
Other names: c.5956A>C, p.Asn1986His (NM_001177310.2, NM_001177311.2); short protein forms N1986H, N1991H.
Identifiers: ClinVar variation 1505342 (VCV001505342.6), dbSNP rs201794531, ClinGen allele CA193287103.

ClinVar aggregate classification (germline): Uncertain significance (1 of 4 stars; one submission).

Allele frequency attached by ClinVar (database versions not stated): gnomAD exomes below 0.00001; TOPMed below 0.00001.
gnomAD v4.1: 1 of 1,614,168 alleles (0.000062%); highest among the groups gnomAD compares: Non-Finnish European, 0.000085%; no homozygotes.

Submission:

Labcorp Genetics (formerly Invitae), Labcorp
Classification: Uncertain significance. Last evaluated: 2022-06-13. Review status: criteria provided, single submitter. Criteria: Invitae Variant Classification Sherloc (09022015). Collection method: clinical testing. Allele origin: germline.
Comment: This variant is not present in population databases (gnomAD no frequency). In summary, the available evidence is currently insufficient to determine the role of this variant in disease. Therefore, it has been classified as a Variant of Uncertain Significance. Algorithms developed to predict the effect of missense changes on protein structure and function output the following: SIFT: "Tolerated"; PolyPhen-2: "Benign"; Align-GVGD: "Class C0". The histidine amino acid residue is found in multiple mammalian species, which suggests that this missense change does not adversely affect protein function. This variant has not been reported in the literature in individuals affected with TRPM6-related conditions. This sequence change replaces asparagine, which is neutral and polar, with histidine, which is basic and polar, at codon 1991 of the TRPM6 protein (p.Asn1991His).